The following is an entry in ClinVar:

ClinVar aggregate classification (germline): Uncertain significance (1 of 4 stars; one submission).

Allele frequency attached by ClinVar (database versions not stated): gnomAD exomes below 0.00001.
gnomAD v4.1: 1 of 1,349,504 alleles (0.000074%); highest among the groups gnomAD compares: South Asian, 0.0019%; no homozygotes.

Submission:

Labcorp Genetics (formerly Invitae), Labcorp
Classification: Uncertain significance. Last evaluated: 2023-09-25. Review status: criteria provided, single submitter. Criteria: Invitae Variant Classification Sherloc (09022015). Collection method: clinical testing. Allele origin: germline.
Comment: This variant is not present in population databases (gnomAD no frequency). This sequence change replaces serine, which is neutral and polar, with leucine, which is neutral and non-polar, at codon 301 of the ARID1A protein (p.Ser301Leu). This variant has not been reported in the literature in individuals affected with ARID1A-related conditions. Advanced modeling of protein sequence and biophysical properties (such as structural, functional, and spatial information, amino acid conservation, physicochemical variation, residue mobility, and thermodynamic stability) performed at Invitae indicates that this missense variant is not expected to disrupt ARID1A protein function. In summary, the available evidence is currently insufficient to determine the role of this variant in disease. Therefore, it has been classified as a Variant of Uncertain Significance.

NM_006015.6(ARID1A):c.902C>T (p.Ser301Leu)

Genes: ARID1A (AT-rich interaction domain 1A; plus strand), LOC129929837 (ATAC-STARR-seq lymphoblastoid silent region 489; plus strand). Cytogenetic location: 1p36.11.
Variant type: single nucleotide variant.
Coding change: c.902C>T on transcript NM_006015.6 (MANE Select); coding-DNA position 902, C replaced by T.
Protein change: p.Ser301Leu; replaces serine 301 with leucine.
Molecular consequence: missense variant.
Genome position (GRCh38, 1-based): chr1:26,697,305, C>T. VCF-style: chr1-26697305-C-T. GRCh37 (hg19) VCF-style: chr1-27023796-C-T.
Other names: c.902C>T, p.Ser301Leu (NM_139135.4); short protein forms S301L.
Identifiers: ClinVar variation 2828737 (VCV002828737.3), dbSNP rs2124744215, ClinGen allele CA339266767.
Genomic context (GRCh38, chr1:26,697,305, plus strand): 5'-CGGCCGGCGGGGGAACTCCCCAGCCCACCGCCACCCCCACCCTCAACCAACTGCTCACGT[C>T]GCCCAGCTCGGCCCGGGGCTACCAGGGCTACCCCGGGGGCGACTACAGTGGCGGGCCCCA-3'
Protein context (NP_006006.3, residues 291-311): ATPTLNQLLT[Ser301Leu]PSSARGYQGY